The following is an entry in ClinVar:

ClinVar aggregate classification (germline): Uncertain significance (1 of 4 stars; one submission).

Conditions:
Hypercholesterolemia, autosomal dominant, 3 (FHCL3). Also called: Familial Hypercholesterolemia, Autosomal Dominant, 3; PCSK9-Related Familial Hypercholesterolemia, Autosomal Dominant; Familial hypercholesterolemia 3. Identifiers: MedGen C1863551, MONDO:0011369, OMIM 603776.

Submission:

All of Us Research Program, National Institutes of Health
Classification: Uncertain significance for Hypercholesterolemia, autosomal dominant, 3. Last evaluated: 2023-09-17. Review status: criteria provided, single submitter. Criteria: ACMG Guidelines, 2015. Collection method: clinical testing. Allele origin: germline. Inheritance: Autosomal dominant inheritance. Observed: 1 variant allele, 1 heterozygote.
Comment: This missense variant replaces histidine with glutamine at codon 551 of the PCSK9 protein. Computational prediction suggests that this variant may not impact protein structure and function (internally defined REVEL score threshold <= 0.5, PMID: 27666373). To our knowledge, functional studies have not been reported for this variant. This variant has not been reported in individuals affected with PCSK9-related disorders in the literature. This variant has not been identified in the general population by the Genome Aggregation Database (gnomAD). The available evidence is insufficient to determine the role of this variant in disease conclusively. Therefore, this variant is classified as a Variant of Uncertain Significance.

This study involves interpretation of variants in research participants for the purpose of population health screening. Participant phenotype was not available at the time of variant classification. Additional details can be found in publication PMID: 35346344, PMCID: PMC8962531

NM_174936.4(PCSK9):c.1653C>G (p.His551Gln)

Gene: PCSK9 (proprotein convertase subtilisin/kexin type 9; plus strand). Cytogenetic location: 1p32.3.
Variant type: single nucleotide variant.
Coding change: c.1653C>G on transcript NM_174936.4 (MANE Select); coding-DNA position 1653, C replaced by G.
Protein change: p.His551Gln; replaces histidine 551 with glutamine.
Molecular consequence: missense variant. On other transcripts: non-coding transcript variant (7), intron variant (1).
Genome position (GRCh38, 1-based): chr1:55,059,635, C>G. VCF-style: chr1-55059635-C-G. GRCh37 (hg19) VCF-style: chr1-55525308-C-G.
Other names: c.1776C>G, p.His592Gln (NM_001407240.1); c.1695C>G, p.His565Gln (NM_001407241.1); c.1656C>G, p.His552Gln (NM_001407242.1); c.1596C>G, p.His532Gln (NM_001407243.1); c.1479C>G, p.His493Gln (NM_001407244.1); c.1461C>G, p.His487Gln (NM_001407245.1); c.1278C>G, p.His426Gln (NM_001407246.1); c.1181-1740C>G (NM_001407247.1); short protein forms H426Q, H487Q, H493Q, H532Q, H551Q, H552Q, H565Q, H592Q.
Identifiers: ClinVar variation 3073434 (VCV003073434.1), dbSNP rs2523270136, ClinGen allele CA340480064.
Genomic context (GRCh38, chr1:55,059,635, plus strand): 5'-GGCCAACTGCAGCGTCCACACAGCTCCACCAGCTGAGGCCAGCATGGGGACCCGTGTCCA[C>G]TGCCACCAACAGGGCCACGTCCTCACAGGTAGGAGGCTGGGCTTGCCCTGGGGTGAGGAG-3'
Protein context (NP_777596.2, residues 541-561): PAEASMGTRV[His551Gln]CHQQGHVLTG